The following is an entry in ClinVar:

NM_001376.5(DYNC1H1):c.13874A>C (p.Glu4625Ala)

Gene: DYNC1H1 (dynein cytoplasmic 1 heavy chain 1; plus strand). Cytogenetic location: 14q32.31.
Variant type: single nucleotide variant.
Coding change: c.13874A>C on transcript NM_001376.5 (MANE Select); coding-DNA position 13874, A replaced by C.
Protein change: p.Glu4625Ala; replaces glutamic acid 4625 with alanine.
Molecular consequence: missense variant.
Genome position (GRCh38, 1-based): chr14:102,050,496, A>C. VCF-style: chr14-102050496-A-C. GRCh37 (hg19) VCF-style: chr14-102516833-A-C.
Other names: short protein forms E4625A.
Identifiers: ClinVar variation 2063147 (VCV002063147.4), dbSNP rs2503893488, ClinGen allele CA391052451.

ClinVar aggregate classification (germline): Uncertain significance (1 of 4 stars; one submission).

Conditions:
Charcot-Marie-Tooth disease axonal type 2O. Also called: CHARCOT-MARIE-TOOTH NEUROPATHY, AXONAL, TYPE 2O; CHARCOT-MARIE-TOOTH DISEASE, AXONAL, AUTOSOMAL DOMINANT, TYPE 2O; Charcot-Marie-Tooth Neuropathy Type 2O; Charcot-Marie-Tooth disease, axonal, type 20. Identifiers: Orphanet 284232, MedGen C3280220, MONDO:0013644, OMIM 614228.

Submission:

Labcorp Genetics (formerly Invitae), Labcorp
Classification: Uncertain significance for Charcot-Marie-Tooth disease axonal type 2O. Last evaluated: 2024-01-08. Review status: criteria provided, single submitter. Criteria: Invitae Variant Classification Sherloc (09022015). Collection method: clinical testing. Allele origin: germline.
Comment: This sequence change replaces glutamic acid, which is acidic and polar, with alanine, which is neutral and non-polar, at codon 4625 of the DYNC1H1 protein (p.Glu4625Ala). This variant is not present in population databases (gnomAD no frequency). This variant has not been reported in the literature in individuals affected with DYNC1H1-related conditions. ClinVar contains an entry for this variant (Variation ID: 2063147). Advanced modeling of protein sequence and biophysical properties (such as structural, functional, and spatial information, amino acid conservation, physicochemical variation, residue mobility, and thermodynamic stability) performed at Invitae indicates that this missense variant is not expected to disrupt DYNC1H1 protein function with a negative predictive value of 95%. In summary, the available evidence is currently insufficient to determine the role of this variant in disease. Therefore, it has been classified as a Variant of Uncertain Significance.